The following is an entry in ClinVar:

NM_025243.4(SLC19A3):c.275T>C (p.Ile92Thr)

Gene: SLC19A3 (solute carrier family 19 member 3; minus strand). Cytogenetic location: 2q36.3.
Variant type: single nucleotide variant.
Coding change: c.275T>C on transcript NM_025243.4 (MANE Select); coding-DNA position 275, T replaced by C.
Protein change: p.Ile92Thr; replaces isoleucine 92 with threonine.
Molecular consequence: missense variant.
Genome position (GRCh38, 1-based): chr2:227,699,440, A>G on the plus strand (T>C on the coding strand, the complement: SLC19A3 is on the minus strand). VCF-style: chr2-227699440-A-G. GRCh37 (hg19) VCF-style: chr2-228564156-A-G.
Other names: short protein forms I92T.
Identifiers: ClinVar variation 575264 (VCV000575264.7), dbSNP rs537995579, ClinGen allele CA2149339.
Genomic context (GRCh38, chr2:227,699,440, plus strand): 5'-AAGAACTCTACAACCTGCATGGTCTTCACTCCTTGGCCAAACAACAGCAGCAGCCAGGTA[A>G]TGATGAAACTGATACCTTGCAAGATGATGACTGGCTTGTAGCGGACATAATCGGTGAGGA-3'
Protein context (NP_079519.1, residues 82-102): VIILQGISFI[Ile92Thr]TWLLLLFGQG

ClinVar aggregate classification (germline): Uncertain significance. Review status: criteria provided, multiple submitters, no conflicts (2 of 4 stars). 2 submissions from 2 submitters: Uncertain significance (2). Last evaluated 2024-03-07.

Conditions:
Biotin-responsive basal ganglia disease (BTBGD). Also called: Thiamine metabolism dysfunction syndrome 2 (biotin- or thiamine-responsive encephalopathy type 2); thiamine-responsive encephalopathy; THIAMINE METABOLISM DYSFUNCTION SYNDROME 2 (BIOTIN- AND THIAMINE-RESPONSIVE TYPE); Thiamine metabolism dysfunction syndrome type 2; Thiamine Transporter-2 Deficiency. Identifiers: Orphanet 199348, Orphanet 65284, MedGen C1843807, MONDO:0011841, OMIM 607483.

Allele frequency attached by ClinVar (database versions not stated): gnomAD exomes below 0.00001 and 0.00002; 1000 Genomes Project 30x 0.00031; 1000 Genomes Project 0.00040; gnomAD 0.00001; ExAC 0.00003.
gnomAD v4.1: 8 of 1,614,180 alleles (0.0005%); highest among the groups gnomAD compares: South Asian, 0.0077%; no homozygotes.

Submissions (2):

GeneDx
Classification: Uncertain significance. Last evaluated: 2024-03-07. Review status: criteria provided, single submitter. Criteria: GeneDx Variant Classification Process June 2021. Collection method: clinical testing. Allele origin: germline. Affected: yes.
Comment: In silico analysis supports that this missense variant has a deleterious effect on protein structure/function; Has not been previously published as pathogenic or benign to our knowledge

Labcorp Genetics (formerly Invitae), Labcorp
Classification: Uncertain significance for Biotin-responsive basal ganglia disease. Last evaluated: 2021-09-02. Review status: criteria provided, single submitter. Criteria: Invitae Variant Classification Sherloc (09022015). Collection method: clinical testing. Allele origin: germline.
Comment: This sequence change replaces isoleucine with threonine at codon 92 of the SLC19A3 protein (p.Ile92Thr). The isoleucine residue is moderately conserved and there is a moderate physicochemical difference between isoleucine and threonine. This variant is present in population databases (rs537995579, ExAC 0.02%). This variant has not been reported in the literature in individuals affected with SLC19A3-related conditions. Algorithms developed to predict the effect of missense changes on protein structure and function output the following: SIFT: "Tolerated"; PolyPhen-2: "Benign"; Align-GVGD: "Class C0". The threonine amino acid residue is found in multiple mammalian species, which suggests that this missense change does not adversely affect protein function. In summary, the available evidence is currently insufficient to determine the role of this variant in disease. Therefore, it has been classified as a Variant of Uncertain Significance.